The following is an entry in ClinVar:

NM_199420.4(POLQ):c.5693C>A (p.Thr1898Asn)

Gene: POLQ (DNA polymerase theta; minus strand). Cytogenetic location: 3q13.33.
Variant type: single nucleotide variant.
Coding change: c.5693C>A on transcript NM_199420.4 (MANE Select); coding-DNA position 5693, C replaced by A.
Protein change: p.Thr1898Asn; replaces threonine 1898 with asparagine.
Molecular consequence: missense variant.
Genome position (GRCh38, 1-based): chr3:121,485,121, G>T on the plus strand (C>A on the coding strand, the complement: POLQ is on the minus strand). VCF-style: chr3-121485121-G-T. GRCh37 (hg19) VCF-style: chr3-121203968-G-T.
Other names: short protein forms T1898N.
Identifiers: ClinVar variation 1749097 (VCV001749097.2), dbSNP rs2108796119, ClinGen allele CA354089189.

ClinVar aggregate classification (germline): Uncertain significance (1 of 4 stars; one submission).

Submission:

Ambry Genetics
Classification: Uncertain significance. Last evaluated: 2022-03-14. Review status: criteria provided, single submitter. Criteria: Ambry Variant Classification Scheme 2023. Collection method: clinical testing. Allele origin: germline.
Comment: The p.T1898N variant (also known as c.5693C>A), located in coding exon 17 of the POLQ gene, results from a C to A substitution at nucleotide position 5693. The threonine at codon 1898 is replaced by asparagine, an amino acid with similar properties. This amino acid position is conserved. In addition, this alteration is predicted to be tolerated by in silico analysis. Since supporting evidence is limited at this time, the clinical significance of this alteration remains unclear.